The following is an entry in ClinVar:

ClinVar aggregate classification (germline): Uncertain significance. Review status: criteria provided, multiple submitters, no conflicts (2 of 4 stars). 2 submissions from 2 submitters: Uncertain significance (2). Last evaluated 2026-02-19.

Conditions:
Hypertrophic cardiomyopathy 26. Also called: Cardiomyopathy, familial hypertrophic, 26. Identifiers: Orphanet 75249, MedGen C4310749, MONDO:0014883, OMIM 617047.
Distal myopathy with posterior leg and anterior hand involvement. Also called: WILLIAMS DISTAL MYOPATHY. Identifiers: Orphanet 63273, MedGen C3279722, MONDO:0013550, OMIM 614065.
Myofibrillar myopathy 5. Also called: Filaminopathy (type); FILAMINOPATHY, AUTOSOMAL DOMINANT. Identifiers: Orphanet 171445, MedGen C1836050, MONDO:0012289, OMIM 609524.

Allele frequency attached by ClinVar (database versions not stated): gnomAD 0.00001; 1000 Genomes Project 30x 0.00016; 1000 Genomes Project 0.00040.
gnomAD v4.1: 2 of 1,614,002 alleles (0.00012%); highest among the groups gnomAD compares: East Asian, 0.0022%; no homozygotes.

Submissions (2):

GeneDx
Classification: Uncertain significance. Last evaluated: 2026-02-19. Review status: criteria provided, single submitter. Criteria: GeneDx Variant Classification Process June 2021. Collection method: clinical testing. Allele origin: germline.
Comment: Not observed at significant frequency in large population cohorts (gnomAD); In silico analysis supports that this missense variant has a deleterious effect on protein structure/function; Has not been previously published as pathogenic or benign to our knowledge

Labcorp Genetics (formerly Invitae), Labcorp
Classification: Uncertain significance for Distal myopathy with posterior leg and anterior hand involvement; Myofibrillar myopathy 5; Hypertrophic cardiomyopathy 26. Last evaluated: 2021-04-22. Review status: criteria provided, single submitter. Criteria: Invitae Variant Classification Sherloc (09022015). Collection method: clinical testing. Allele origin: germline.
Comment: This sequence change replaces aspartic acid with glycine at codon 825 of the FLNC protein (p.Asp825Gly). The aspartic acid residue is moderately conserved and there is a moderate physicochemical difference between aspartic acid and glycine. This variant is not present in population databases (ExAC no frequency). This variant has not been reported in the literature in individuals with FLNC-related conditions. Algorithms developed to predict the effect of missense changes on protein structure and function are either unavailable or do not agree on the potential impact of this missense change (SIFT: "Deleterious"; PolyPhen-2: "Probably Damaging"; Align-GVGD: "Class C0"). In summary, the available evidence is currently insufficient to determine the role of this variant in disease. Therefore, it has been classified as a Variant of Uncertain Significance.

NM_001458.5(FLNC):c.2474A>G (p.Asp825Gly)

Gene: FLNC (filamin C; plus strand). Cytogenetic location: 7q32.1.
Variant type: single nucleotide variant.
Coding change: c.2474A>G on transcript NM_001458.5 (MANE Select); coding-DNA position 2474, A replaced by G.
Protein change: p.Asp825Gly; replaces aspartic acid 825 with glycine.
Molecular consequence: missense variant.
Genome position (GRCh38, 1-based): chr7:128,842,878, A>G. VCF-style: chr7-128842878-A-G. GRCh37 (hg19) VCF-style: chr7-128482932-A-G.
Other names: c.2474A>G, p.Asp825Gly (NM_001127487.2); c.2474A>G (NM_001458.4); short protein forms D825G.
Identifiers: ClinVar variation 1347525 (VCV001347525.9), dbSNP rs559621589, ClinGen allele CA166175592.